The following is an entry in ClinVar:

ClinVar aggregate classification (germline): Uncertain significance. Review status: criteria provided, multiple submitters, no conflicts (2 of 4 stars). 2 submissions from 2 submitters: Uncertain significance (2). Last evaluated 2026-01-12.

Allele frequency attached by ClinVar (database versions not stated): gnomAD 0.00001; ExAC 0.00003; gnomAD exomes 0.00003 and 0.00005; TOPMed 0.00006; ESP Exome Variant Server 0.00015.
gnomAD v4.1: 79 of 1,614,000 alleles (0.0049%); highest among the groups gnomAD compares: Middle Eastern, 0.016%; no homozygotes.

Submissions (2):

Labcorp Genetics (formerly Invitae), Labcorp
Classification: Uncertain significance. Last evaluated: 2026-01-12. Review status: criteria provided, single submitter. Criteria: Invitae Variant Classification Sherloc (09022015). Collection method: clinical testing. Allele origin: germline.
Comment: This sequence change replaces arginine, which is basic and polar, with tryptophan, which is neutral and slightly polar, at codon 417 of the SEMA4A protein (p.Arg417Trp). This variant is present in population databases (rs140420949, gnomAD 0.01%). This variant has not been reported in the literature in individuals affected with SEMA4A-related conditions. ClinVar contains an entry for this variant (Variation ID: 1008510). Invitae Evidence Modeling of protein sequence and biophysical properties (such as structural, functional, and spatial information, amino acid conservation, physicochemical variation, residue mobility, and thermodynamic stability) indicates that this missense variant is expected to disrupt SEMA4A protein function with a positive predictive value of 80%. In summary, the available evidence is currently insufficient to determine the role of this variant in disease. Therefore, it has been classified as a Variant of Uncertain Significance.

Blueprint Genetics
Classification: Uncertain significance. Last evaluated: 2023-06-15. Review status: criteria provided, single submitter. Criteria: ACMG Guidelines, 2015. Collection method: clinical testing. Allele origin: germline.

NM_022367.4(SEMA4A):c.1249C>T (p.Arg417Trp)

Gene: SEMA4A (semaphorin 4A; plus strand). Cytogenetic location: 1q22.
Variant type: single nucleotide variant.
Coding change: c.1249C>T on transcript NM_022367.4 (MANE Select); coding-DNA position 1249, C replaced by T.
Protein change: p.Arg417Trp; replaces arginine 417 with tryptophan.
Molecular consequence: missense variant.
Genome position (GRCh38, 1-based): chr1:156,172,940, C>T. VCF-style: chr1-156172940-C-T. GRCh37 (hg19) VCF-style: chr1-156142731-C-T.
Other names: c.1249C>T, p.Arg417Trp (NM_001193300.2, NM_001193301.2, NM_001370567.1); c.853C>T, p.Arg285Trp (NM_001193302.2); c.952C>T, p.Arg318Trp (NM_001370568.1); c.742C>T, p.Arg248Trp (NM_001370569.1, NM_001370571.1); short protein forms R248W, R285W, R318W, R417W.
Identifiers: ClinVar variation 1008510 (VCV001008510.9), dbSNP rs140420949, ClinGen allele CA1155315.